The following is an entry in ClinVar:

ClinVar aggregate classification (germline): Uncertain significance. Review status: criteria provided, multiple submitters, no conflicts (2 of 4 stars). 2 submissions from 2 submitters: Uncertain significance (2). Last evaluated 2026-03-10.

Conditions:
Hereditary cancer-predisposing syndrome. Also called: Hereditary Cancer Syndrome; Tumor predisposition; Neoplastic Syndromes, Hereditary; Hereditary neoplastic syndrome. Identifiers: Orphanet 140162, MedGen C0027672, MeSH D009386, MONDO:0015356.
Oligodontia-cancer predisposition syndrome. Also called: TOOTH AGENESIS-COLORECTAL CANCER SYNDROME. Identifiers: Orphanet 300576, MedGen C1837750, MONDO:0012075, OMIM 608615. Disease mechanism: loss of function.

Submissions (2):

Ambry Genetics
Classification: Uncertain significance for Hereditary cancer-predisposing syndrome. Last evaluated: 2026-03-10. Review status: criteria provided, single submitter. Criteria: Ambry Variant Classification Scheme 2023. Collection method: clinical testing. Allele origin: germline.
Comment: The p.Q89H variant (also known as c.267A>T), located in coding exon 1 of the AXIN2 gene, results from an A to T substitution at nucleotide position 267. The glutamine at codon 89 is replaced by histidine, an amino acid with highly similar properties. This amino acid position is conserved. In addition, this alteration is predicted to be tolerated by in silico analysis. Based on the available evidence, the clinical significance of this variant remains unclear.

Labcorp Genetics (formerly Invitae), Labcorp
Classification: Uncertain significance for Oligodontia-cancer predisposition syndrome. Last evaluated: 2020-06-10. Review status: criteria provided, single submitter. Criteria: Invitae Variant Classification Sherloc (09022015). Collection method: clinical testing. Allele origin: germline.
Comment: In summary, the available evidence is currently insufficient to determine the role of this variant in disease. Therefore, it has been classified as a Variant of Uncertain Significance. Algorithms developed to predict the effect of missense changes on protein structure and function are either unavailable or do not agree on the potential impact of this missense change (SIFT: "Deleterious"; PolyPhen-2: "Probably Damaging"; Align-GVGD: "Class C0"). This variant has not been reported in the literature in individuals with AXIN2-related conditions. This variant is not present in population databases (ExAC no frequency). This sequence change replaces glutamine with histidine at codon 89 of the AXIN2 protein (p.Gln89His). The glutamine residue is highly conserved and there is a small physicochemical difference between glutamine and histidine.

NM_004655.4(AXIN2):c.267A>T (p.Gln89His)

Gene: AXIN2 (axin 2; minus strand). Cytogenetic location: 17q24.1.
Variant type: single nucleotide variant.
Coding change: c.267A>T on transcript NM_004655.4 (MANE Select); coding-DNA position 267, A replaced by T.
Protein change: p.Gln89His; replaces glutamine 89 with histidine.
Molecular consequence: missense variant.
Genome position (GRCh38, 1-based): chr17:65,558,354, T>A on the plus strand (A>T on the coding strand, the complement: AXIN2 is on the minus strand). VCF-style: chr17-65558354-T-A. GRCh37 (hg19) VCF-style: chr17-63554472-T-A.
Other names: c.267A>T, p.Gln89His (NM_001363813.1); short protein forms Q89H.
Identifiers: ClinVar variation 856072 (VCV000856072.12), dbSNP rs2044305289, ClinGen allele CA400681777.
Genomic context (GRCh38, chr17:65,558,354, plus strand): 5'-GTCTAAGGTATCCACGCATTTCTCCCTCTCCAGGAAAGTTCGGAACAGGTAAGCACCGTC[T>A]TGATCGCCCAATAAGGAGTGTAAGGACTTGGTCCACCGGGTCAGAGGGGAATCCGGAGAT-3'
Protein context (NP_004646.3, residues 79-99): TKSLHSLLGD[Gln89His]DGAYLFRTFL